The following is an entry in ClinVar:

NM_001384732.1(CPLANE1):c.4147T>C (p.Tyr1383His)

Gene: CPLANE1 (ciliogenesis and planar polarity effector complex subunit 1; minus strand). Cytogenetic location: 5p13.2.
Variant type: single nucleotide variant.
Coding change: c.4147T>C on transcript NM_001384732.1 (MANE Select); coding-DNA position 4147, T replaced by C.
Protein change: p.Tyr1383His; replaces tyrosine 1383 with histidine.
Molecular consequence: missense variant.
Genome position (GRCh38, 1-based): chr5:37,186,328, A>G on the plus strand (T>C on the coding strand, the complement: CPLANE1 is on the minus strand). VCF-style: chr5-37186328-A-G. GRCh37 (hg19) VCF-style: chr5-37186430-A-G.
Other names: c.4147T>C, p.Tyr1383His (NM_023073.4); short protein forms Y1383H.
Identifiers: ClinVar variation 3704785 (VCV003704785.2).

ClinVar aggregate classification (germline): Uncertain significance (1 of 4 stars; one submission).

gnomAD v4.1: 3 of 1,604,498 alleles (0.00019%); highest among the groups gnomAD compares: Middle Eastern, 0.017%; no homozygotes.

Submission:

Labcorp Genetics (formerly Invitae), Labcorp
Classification: Uncertain significance. Last evaluated: 2024-05-07. Review status: criteria provided, single submitter. Criteria: Invitae Variant Classification Sherloc (09022015). Collection method: clinical testing. Allele origin: germline.
Comment: This sequence change replaces tyrosine, which is neutral and polar, with histidine, which is basic and polar, at codon 1383 of the CPLANE1 protein (p.Tyr1383His). The frequency data for this variant in the population databases is considered unreliable, as metrics indicate poor data quality at this position in the gnomAD database. This variant has not been reported in the literature in individuals affected with CPLANE1-related conditions. Advanced modeling of protein sequence and biophysical properties (such as structural, functional, and spatial information, amino acid conservation, physicochemical variation, residue mobility, and thermodynamic stability) performed at Invitae indicates that this missense variant is not expected to disrupt CPLANE1 protein function with a negative predictive value of 95%. In summary, the available evidence is currently insufficient to determine the role of this variant in disease. Therefore, it has been classified as a Variant of Uncertain Significance.